The following is an entry in ClinVar:

ClinVar aggregate classification (germline): Uncertain significance (1 of 4 stars; one submission).

Submission:

Labcorp Genetics (formerly Invitae), Labcorp
Classification: Uncertain significance. Last evaluated: 2023-08-10. Review status: criteria provided, single submitter. Criteria: Invitae Variant Classification Sherloc (09022015). Collection method: clinical testing. Allele origin: unknown.
Comment: Experimental studies and prediction algorithms are not available or were not evaluated, and the functional significance of this variant is currently unknown. In summary, the available evidence is currently insufficient to determine the role of this variant in disease. Therefore, it has been classified as a Variant of Uncertain Significance. This variant has not been reported in the literature in individuals affected with RPL27-related conditions. This variant results in a copy number gain of the genomic region encompassing exon(s) 4-5 of the RPL27 gene. This region includes the termination codon of the gene. This copy number gain extends beyond the assayed region for this gene and therefore may encompass additional genes. As the precise location of this event is unknown, it may be in tandem or it may be located elsewhere in the genome.

NC_000017.10:g.(?_41154670)_(41277500_?)dup

Genes: BRCA1 (BRCA1 DNA repair associated; minus strand), IFI35 (interferon induced protein 35; plus strand), RND2 (Rho family GTPase 2; plus strand), RPL27 (ribosomal protein L27; plus strand), VAT1 (vesicle amine transport 1; minus strand). Cytogenetic location: 17q21.31.
Variant type: Duplication.
Identifiers: ClinVar variation 3243127 (VCV003243127.1).